The following is an entry in ClinVar:

NM_203447.4(DOCK8):c.6229_6230del (p.Gln2078fs)

Gene: DOCK8 (dedicator of cytokinesis 8; plus strand). Cytogenetic location: 9p24.3.
Variant type: Microsatellite.
Coding change: c.6229_6230del on transcript NM_203447.4 (MANE Select); coding-DNA positions 6229 to 6230, 2 bases deleted (AG; older notation c.6229_6230delAG).
Protein change: p.Gln2078fs; shifts the reading frame from glutamine 2078.
Molecular consequence: frameshift variant.
Genome position (GRCh38, 1-based): chr9:463,677-463,678, AG deleted; deleting any 2 consecutive bases within chr9:463,674-463,678 gives the same sequence; the c. name uses the placement nearest the transcript's 3' end. VCF-style (leftmost placement, unchanged base first): chr9-463673-TGA-T. GRCh37 (hg19) VCF-style: chr9-463673-TGA-T.
Other names: c.5929_5930del, p.Gln1978fs (NM_001190458.2); c.6025_6026del, p.Gln2010fs (NM_001193536.2); short protein forms Q2010fs, Q2078fs, Q1978fs.
Identifiers: ClinVar variation 946077 (VCV000946077.8), dbSNP rs2057881689, ClinGen allele CA1826921832.
Genomic context (GRCh38, chr9:463,673, plus strand): 5'-GAACCTCAGGCCAATGATCGAGCGGAAAATTCCAGAACTGTACAAGCCAATATTCAGAGT[TGA>T]GAGTCAAAAGAGGTAAGAACAGGGCAGAGGAGGCCTCTTCCTGTGGGATAAAGAGCAGCG-3'

ClinVar aggregate classification (germline): Uncertain significance (1 of 4 stars; one submission).

Conditions:
Combined immunodeficiency due to DOCK8 deficiency (HIES2). Also called: HIES autosomal recessive; HYPER-IgE RECURRENT INFECTION SYNDROME 2, AUTOSOMAL RECESSIVE; HYPER-IgE SYNDROME 2, AUTOSOMAL RECESSIVE, WITH RECURRENT INFECTIONS; Hyper-IgE recurrent infection syndrome, autosomal recessive; DOCK8 Deficiency. Identifiers: Orphanet 217390, MedGen C4722305, MONDO:0009478, OMIM 243700.

Submission:

Labcorp Genetics (formerly Invitae), Labcorp
Classification: Uncertain significance for Combined immunodeficiency due to DOCK8 deficiency. Last evaluated: 2019-07-26. Review status: criteria provided, single submitter. Criteria: Invitae Variant Classification Sherloc (09022015). Collection method: clinical testing. Allele origin: germline.
Comment: This variant is not present in population databases (ExAC no frequency). This sequence change results in a premature translational stop signal in the DOCK8 gene (p.Gln2078Lysfs*9). While this is not anticipated to result in nonsense mediated decay, it is expected to disrupt the last 22 amino acids of the DOCK8 protein. This variant has not been reported in the literature in individuals with DOCK8-related conditions. In summary, the available evidence is currently insufficient to determine the role of this variant in disease. Therefore, it has been classified as a Variant of Uncertain Significance. Experimental studies and prediction algorithms are not available or were not evaluated for this variant, and the functional significance of the affected amino acid(s) is currently unknown.